The following is an entry in ClinVar:

NM_012203.2(GRHPR):c.369C>A (p.Cys123Ter)

Gene: GRHPR (glyoxylate and hydroxypyruvate reductase; plus strand). Cytogenetic location: 9p13.2.
Variant type: single nucleotide variant.
Coding change: c.369C>A on transcript NM_012203.2 (MANE Select); coding-DNA position 369, C replaced by A.
Protein change: p.Cys123Ter; replaces cysteine 123 with a stop codon.
Molecular consequence: nonsense.
Genome position (GRCh38, 1-based): chr9:37,426,619, C>A. VCF-style: chr9-37426619-C-A. GRCh37 (hg19) VCF-style: chr9-37426616-C-A.
Other names: short protein forms C123*.
Identifiers: ClinVar variation 5015240 (VCV005015240.1).
Genomic context (GRCh38, chr9:37,426,619, plus strand): 5'-CCCAGATGTCCTGACAGATACCACCGCCGAACTCGCAGTCTCCCTGCTACTTACCACCTG[C>A]CGCCGGTTGCCGGAGGCCATCGAGGAAGTGAAGAAGTAAGTGAACGCAGACCAGGTGCGG-3'

ClinVar aggregate classification (germline): Pathogenic (1 of 4 stars; one submission).

Conditions:
Primary hyperoxaluria, type II (HP2). Also called: D-GLYCERATE DEHYDROGENASE DEFICIENCY; GLYCERIC ACIDURIA; GLYOXYLATE REDUCTASE/HYDROXYPYRUVATE REDUCTASE DEFICIENCY; OXALOSIS II; Primary hyperoxaluria type 2. Identifiers: Orphanet 416, Orphanet 93599, MedGen C0268165, MONDO:0009824, OMIM 260000. Disease mechanism: loss of function.

Submission:

Myriad Genetics, Inc.
Classification: Pathogenic for Primary hyperoxaluria, type II. Last evaluated: 2025-11-19. Review status: criteria provided, single submitter. Criteria: Myriad Autosomal Dominant, Autosomal Recessive and X-Linked Classification Criteria (2023). Collection method: clinical testing. Allele origin: unknown.
Comment: NM_012203.1(GRHPR):c.369C>A(C123*) is expected to be pathogenic in the context of primary hyperoxaluria type 2. This variant is predicted to lead to an abnormal or absent protein product due to the creation of a premature termination codon in GRHPR, a gene where loss-of-function variants are known to be pathogenic. Please note: this variant was assessed in the context of healthy population screening.